The following is an entry in ClinVar:

NM_003265.3(TLR3):c.838G>A (p.Asp280Asn)

Gene: TLR3 (toll like receptor 3; plus strand). Cytogenetic location: 4q35.1.
Variant type: single nucleotide variant.
Coding change: c.838G>A on transcript NM_003265.3 (MANE Select); coding-DNA position 838, G replaced by A.
Protein change: p.Asp280Asn; replaces aspartic acid 280 with asparagine.
Molecular consequence: missense variant.
Genome position (GRCh38, 1-based): chr4:186,082,524, G>A. VCF-style: chr4-186082524-G-A. GRCh37 (hg19) VCF-style: chr4-187003678-G-A.
Other names: p.Asp280Asn; short protein forms D280N.
Identifiers: ClinVar variation 537926 (VCV000537926.15), dbSNP rs112077022, ClinGen allele CA3161315.

ClinVar aggregate classification (germline): Benign/Likely benign. Review status: criteria provided, multiple submitters, no conflicts (2 of 4 stars). 4 submissions from 4 submitters: Benign (3); Likely benign (1). Last evaluated 2026-01-22.

Conditions:
Encephalopathy, acute, infection-induced (herpes-specific), susceptibility to, 1. Also called: Herpes simplex encephalitis, susceptibility to, 1. Identifiers: Orphanet 1930, MedGen C2750180, MONDO:0024563, OMIM 610551.

Allele frequency attached by ClinVar (database versions not stated): 1000 Genomes Project 0.00559; 1000 Genomes Project 30x 0.00578; ESP Exome Variant Server 0.00569; ExAC 0.00163; gnomAD 0.00507 and 0.00550; gnomAD exomes 0.00131; TOPMed 0.00617.
gnomAD v4.1: 1,544 of 1,614,126 alleles (0.096%); highest among the groups gnomAD compares: African/African-American, 1.8%; 10 homozygotes.

Submissions (4):

Labcorp Genetics (formerly Invitae), Labcorp
Classification: Benign for Encephalopathy, acute, infection-induced (herpes-specific), susceptibility to, 1. Last evaluated: 2026-01-22. Review status: criteria provided, single submitter. Criteria: Invitae Variant Classification Sherloc (09022015). Collection method: clinical testing. Allele origin: germline.

Mayo Clinic Laboratories, Mayo Clinic
Classification: Benign. Last evaluated: 2025-07-29. Review status: criteria provided, single submitter. Criteria: ACMG Guidelines, 2015. Collection method: clinical testing. Allele origin: germline. Observed: 1 variant allele.
Comment: BS1, BS2, BP4_moderate

Blueprint Genetics
Classification: Likely benign. Last evaluated: 2024-06-11. Review status: criteria provided, single submitter. Criteria: ACMG Guidelines, 2015. Collection method: clinical testing. Allele origin: germline.

Breakthrough Genomics
Classification: Benign. Review status: criteria provided, single submitter. Criteria: ACMG Guidelines, 2015. Collection method: not provided. Allele origin: germline. Inheritance: Autosomal dominant inheritance. Affected: yes.